The following is an entry in ClinVar:

ClinVar aggregate classification (germline): Uncertain significance (1 of 4 stars; one submission).

Conditions:
Aicardi-Goutieres syndrome 2. Identifiers: Orphanet 51, MedGen C3489724, MONDO:0012429, OMIM 610181.

Submission:

Labcorp Genetics (formerly Invitae), Labcorp
Classification: Uncertain significance for Aicardi-Goutieres syndrome 2. Last evaluated: 2021-07-29. Review status: criteria provided, single submitter. Criteria: Invitae Variant Classification Sherloc (09022015). Collection method: clinical testing. Allele origin: germline.
Comment: This sequence change replaces serine with leucine at codon 240 of the RNASEH2B protein (p.Ser240Leu). The serine residue is weakly conserved and there is a large physicochemical difference between serine and leucine. This variant is present in population databases (rs372632599, ExAC 0.006%). This variant has not been reported in the literature in individuals affected with RNASEH2B-related conditions. Algorithms developed to predict the effect of missense changes on protein structure and function output the following: SIFT: "Tolerated"; PolyPhen-2: "Benign"; Align-GVGD: "Class C15". The leucine amino acid residue is found in multiple mammalian species, which suggests that this missense change does not adversely affect protein function. In summary, the available evidence is currently insufficient to determine the role of this variant in disease. Therefore, it has been classified as a Variant of Uncertain Significance.

NM_024570.4(RNASEH2B):c.719C>T (p.Ser240Leu)

Gene: RNASEH2B (ribonuclease H2 subunit B; plus strand). Cytogenetic location: 13q14.3.
Variant type: single nucleotide variant.
Coding change: c.719C>T on transcript NM_024570.4 (MANE Select); coding-DNA position 719, C replaced by T.
Protein change: p.Ser240Leu; replaces serine 240 with leucine.
Molecular consequence: missense variant.
Genome position (GRCh38, 1-based): chr13:50,949,483, C>T. VCF-style: chr13-50949483-C-T. GRCh37 (hg19) VCF-style: chr13-51523619-C-T.
Other names: c.719C>T, p.Ser240Leu (NM_001142279.2); short protein forms S240L.
Identifiers: ClinVar variation 1437190 (VCV001437190.3), dbSNP rs372632599, ClinGen allele CA6985686.